The following is an entry in ClinVar:

NM_005902.4(SMAD3):c.781A>T (p.Thr261Ser)

Gene: SMAD3 (SMAD family member 3; plus strand). Cytogenetic location: 15q22.33.
Variant type: single nucleotide variant.
Coding change: c.781A>T on transcript NM_005902.4 (MANE Select); coding-DNA position 781, A replaced by T.
Protein change: p.Thr261Ser; replaces threonine 261 with serine.
Molecular consequence: missense variant.
Genome position (GRCh38, 1-based): chr15:67,181,363, A>T. VCF-style: chr15-67181363-A-T. GRCh37 (hg19) VCF-style: chr15-67473701-A-T.
Other names: c.466A>T, p.Thr156Ser (NM_001145102.2, NM_001407016.1); c.649A>T, p.Thr217Ser (NM_001145103.2, NM_001407012.1); c.196A>T, p.Thr66Ser (NM_001145104.2, NM_001407017.1); c.781A>T, p.Thr261Ser (NM_001407011.1, NM_001407013.1); c.634A>T, p.Thr212Ser (NM_001407014.1); c.334A>T, p.Thr112Ser (NM_001407015.1); short protein forms T112S, T156S, T212S, T217S, T261S, T66S.
Identifiers: ClinVar variation 5037683 (VCV005037683.1).

ClinVar aggregate classification (germline): Likely pathogenic (1 of 4 stars; one submission).

Submission:

GeneDx
Classification: Likely pathogenic. Last evaluated: 2026-04-15. Review status: criteria provided, single submitter. Criteria: GeneDx Variant Classification Process June 2021. Collection method: clinical testing. Allele origin: germline.
Comment: Not observed at significant frequency in large population cohorts (gnomAD); In silico analysis supports that this missense variant has a deleterious effect on protein structure/function; Has not been previously published as pathogenic or benign in association with a SMAD3-related disorder to our knowledge; This variant is associated with the following publications: (PMID: 33057194, 35982159)